The following is an entry in ClinVar:

ClinVar aggregate classification (germline): Likely benign. Review status: criteria provided, multiple submitters, no conflicts (2 of 4 stars). 2 submissions from 2 submitters: Likely benign (2). Last evaluated 2023-10-25.

Conditions:
PGM1-congenital disorder of glycosylation. Also called: Congenital disorder of glycosylation type 1t; PHOSPHOGLUCOMUTASE 1 DEFICIENCY; PGM1 DEFICIENCY; GLYCOGEN STORAGE DISEASE XIV; GSD XIV; CDG It. Identifiers: Orphanet 319646, MedGen C2752015, MONDO:0013968, OMIM 614921.

Allele frequency attached by ClinVar (database versions not stated): gnomAD exomes below 0.00001; TOPMed 0.00002; gnomAD 0.00003.
gnomAD v4.1: 3 of 1,613,884 alleles (0.00019%); highest among the groups gnomAD compares: African/African-American, 0.0027%; no homozygotes.

Submissions (2):

Labcorp Genetics (formerly Invitae), Labcorp
Classification: Likely benign for PGM1-congenital disorder of glycosylation. Last evaluated: 2023-10-25. Review status: criteria provided, single submitter. Criteria: Invitae Variant Classification Sherloc (09022015). Collection method: clinical testing. Allele origin: germline.

GeneDx
Classification: Likely benign. Last evaluated: 2017-09-11. Review status: criteria provided, single submitter. Criteria: GeneDx Variant Classification (06012015). Collection method: clinical testing. Allele origin: germline. Affected: yes.
Comment: This variant is considered likely benign or benign based on one or more of the following criteria: it is a conservative change, it occurs at a poorly conserved position in the protein, it is predicted to be benign by multiple in silico algorithms, and/or has population frequency not consistent with disease.

NM_002633.3(PGM1):c.64C>T (p.Leu22=)

Genes: PGM1 (phosphoglucomutase 1; plus strand), LOC129930668 (ATAC-STARR-seq lymphoblastoid active region 1127; plus strand). Cytogenetic location: 1p31.3.
Variant type: single nucleotide variant.
Coding change: c.64C>T on transcript NM_002633.3 (MANE Select); coding-DNA position 64, C replaced by T.
Protein change: p.Leu22=; no amino-acid change (leucine 22 retained).
Molecular consequence: synonymous variant.
Genome position (GRCh38, 1-based): chr1:63,593,552, C>T. VCF-style: chr1-63593552-C-T. GRCh37 (hg19) VCF-style: chr1-64059223-C-T.
Identifiers: ClinVar variation 511633 (VCV000511633.7), dbSNP rs1395771160, ClinGen allele CA418268570.